The following is an entry in ClinVar:

NM_000329.3(RPE65):c.1195G>A (p.Glu399Lys)

Gene: RPE65 (retinoid isomerohydrolase RPE65; minus strand). Cytogenetic location: 1p31.3.
Variant type: single nucleotide variant.
Coding change: c.1195G>A on transcript NM_000329.3 (MANE Select); coding-DNA position 1195, G replaced by A.
Protein change: p.Glu399Lys; replaces glutamic acid 399 with lysine.
Molecular consequence: missense variant.
Genome position (GRCh38, 1-based): chr1:68,431,519, C>T on the plus strand (G>A on the coding strand, the complement: RPE65 is on the minus strand). VCF-style: chr1-68431519-C-T. GRCh37 (hg19) VCF-style: chr1-68897202-C-T.
Other names: short protein forms E399K.
Identifiers: ClinVar variation 968123 (VCV000968123.15), dbSNP rs144673747, ClinGen allele CA902255.

ClinVar aggregate classification (germline): Uncertain significance. Review status: criteria provided, multiple submitters, no conflicts (2 of 4 stars). 5 submissions from 5 submitters: Uncertain significance (4). 1 of the submissions does not count toward it. Last evaluated 2025-06-19.

Conditions:
RPE65-related disorder. Also called: RPE65-related condition; RPE65-related disorders. Identifiers: MedGen CN239301.
Leber congenital amaurosis (LCA). Also called: Leber's amaurosis. Identifiers: Orphanet 65, MedGen C0339527, MeSH D057130, MONDO:0018998.
Retinitis pigmentosa 20 (RP20). Identifiers: Orphanet 791, MedGen C3151086, MONDO:0013425, OMIM 613794.
Leber congenital amaurosis 2 (LCA2). Also called: Autosomal Recessive RPE65-Related Retinal Degeneration; AMAUROSIS CONGENITA OF LEBER II. Identifiers: Orphanet 65, MedGen C1859844, MONDO:0008765, OMIM 204100. Disease mechanism: loss of function.

Allele frequency attached by ClinVar (database versions not stated): gnomAD 0.00006; gnomAD exomes 0.00006; TOPMed 0.00006; ExAC 0.00008; ESP Exome Variant Server 0.00015.

Submissions (5):

Labcorp Genetics (formerly Invitae), Labcorp
Classification: Uncertain significance for Leber congenital amaurosis 2; Retinitis pigmentosa 20. Last evaluated: 2025-06-19. Review status: criteria provided, single submitter. Criteria: Invitae Variant Classification Sherloc (09022015). Collection method: clinical testing. Allele origin: germline.
Comment: This sequence change replaces glutamic acid, which is acidic and polar, with lysine, which is basic and polar, at codon 399 of the RPE65 protein (p.Glu399Lys). This variant is present in population databases (rs144673747, gnomAD 0.01%). This variant has not been reported in the literature in individuals affected with RPE65-related conditions. ClinVar contains an entry for this variant (Variation ID: 968123). Invitae Evidence Modeling of protein sequence and biophysical properties (such as structural, functional, and spatial information, amino acid conservation, physicochemical variation, residue mobility, and thermodynamic stability) has been performed for this missense variant. However, the output from this modeling did not meet the statistical confidence thresholds required to predict the impact of this variant on RPE65 protein function. In summary, the available evidence is currently insufficient to determine the role of this variant in disease. Therefore, it has been classified as a Variant of Uncertain Significance.

CeGaT Center for Human Genetics Tuebingen
Classification: Uncertain significance. Last evaluated: 2025-04-01. Review status: criteria provided, single submitter. Criteria: CeGaT Center For Human Genetics Tuebingen Variant Classification Criteria Version 2. Collection method: clinical testing. Allele origin: germline. Affected: yes. Observed: 1 variant allele.
Comment: RPE65: PM2

PreventionGenetics, part of Exact Sciences
Classification: Uncertain significance for RPE65-related condition. Last evaluated: 2025-01-24. Review status: criteria provided, single submitter. Criteria: ACMG Guidelines, 2015. Collection method: clinical testing. Allele origin: germline.
Comment: The RPE65 c.1195G>A variant is predicted to result in the amino acid substitution p.Glu399Lys. To our knowledge, this variant has not been reported in the literature. This variant is reported in 0.012% of alleles in individuals of European (Non-Finnish) descent in gnomAD. At this time, the clinical significance of this variant is uncertain due to the absence of conclusive functional and genetic evidence.

Blueprint Genetics
Classification: Uncertain significance. Last evaluated: 2024-02-09. Review status: criteria provided, single submitter. Criteria: ACMG Guidelines, 2015. Collection method: clinical testing. Allele origin: germline.

Natera, Inc.
Classification: Uncertain significance for Leber congenital amaurosis. Last evaluated: 2020-01-17. Review status: no assertion criteria provided. Collection method: clinical testing. Allele origin: germline. Not counted in ClinVar's aggregate classification.